The following is an entry in ClinVar:

ClinVar aggregate classification (germline): Likely benign (1 of 4 stars; one submission).

Allele frequency attached by ClinVar (database versions not stated): gnomAD exomes below 0.00001.
gnomAD v4.1: 2 of 1,612,728 alleles (0.00012%); highest among the groups gnomAD compares: South Asian, 0.0022%; no homozygotes.

Submission:

GeneDx
Classification: Likely benign. Last evaluated: 2016-11-08. Review status: criteria provided, single submitter. Criteria: GeneDx Variant Classification (06012015). Collection method: clinical testing. Allele origin: germline. Affected: yes.
Comment: This variant is considered likely benign or benign based on one or more of the following criteria: it is a conservative change, it occurs at a poorly conserved position in the protein, it is predicted to be benign by multiple in silico algorithms, and/or has population frequency not consistent with disease.

NM_198999.3(SLC26A5):c.889-5T>C

Gene: SLC26A5 (solute carrier family 26 member 5; minus strand). Cytogenetic location: 7q22.1.
Variant type: single nucleotide variant.
Coding change: c.889-5T>C on transcript NM_198999.3 (MANE Select); 5 bases into the intron before coding-DNA position 889, T replaced by C.
Molecular consequence: intron variant.
Genome position (GRCh38, 1-based): chr7:103,398,019, A>G on the plus strand (T>C on the coding strand, the complement: SLC26A5 is on the minus strand). VCF-style: chr7-103398019-A-G. GRCh37 (hg19) VCF-style: chr7-103038466-A-G.
Other names: c.889-5T>C (NM_206885.3, NM_001321787.2, NM_206884.3 and 2 more transcripts).
Identifiers: ClinVar variation 390473 (VCV000390473.1), dbSNP rs1057523783, ClinGen allele CA16605009.
Genomic context (GRCh38, chr7:103,398,019, plus strand): 5'-ACATTGTATGATTCTTTCAAGTTAAACCCAGCTGAAATGCCAGTTCCCATTACGACCTAA[A>G]AAGACACAAATCCAAATGCACCTTTAGAGATGAATGTTCAAATACTGCAAAAATCAGCTT-3'